The following is an entry in ClinVar:

ClinVar aggregate classification (germline): Likely benign. Review status: reviewed by expert panel (3 of 4 stars). 3 submissions from 3 submitters: Likely benign (1). 2 of the submissions do not count toward it. Last evaluated 2025-05-19.

Conditions:
Juvenile retinoschisis (RS1). Also called: X-Linked Juvenile Retinoschisis; X-linked retinoschisis. Identifiers: Orphanet 792, MedGen C3714753, MONDO:0010725, OMIM 312700.

Allele frequency attached by ClinVar (database versions not stated): gnomAD 0.00001; gnomAD exomes 0.00001 and 0.00002; TOPMed 0.00001.
gnomAD v4.1: 12 of 1,199,727 alleles (0.001%); highest among the groups gnomAD compares: East Asian, 0.015%; no homozygotes.

Submissions (3):

ClinGen X-linked Inherited Retinal Disease Variant Curation Expert Panel, ClinGen
Classification: Likely benign for Juvenile retinoschisis. Last evaluated: 2025-05-19. Review status: reviewed by expert panel. Criteria: ClinGen X LinkedIRD ACMG Specifications RS1 V1.0.0. Collection method: curation. Allele origin: germline. Inheritance: X-linked inheritance.
Comment: The NM_000330.4(RS1):c.69G>A variant is a synonymous variant at amino acid 23. The splicing impact predictor SpliceAI gives a delta score of 0.06, which is below the ClinGen X-linked IRD VCEP recommended threshold of <0.1 and does not strongly predict an impact on splicing (BP4). This silent variant c.69G>A causing a synonymous variant at codon 23 does not have an impact at splicing sites according to Splice AI, which predicts a delta score of 0.06 for donor loss which is below the ClinGen X-linked IRD VCEP recommended threshold of <0.2 and does not strongly predict an impact on splicing (BP7). This variant is present in gnomAD v.4.1.0 at a frequency of 0.000007727 among hemizygotes, with 3 variant alleles / 388269 total hemizygous alleles, which is between the ClinGen X-linked IRD VCEP thresholds of >0.00002 and <0.000002 and fails to meet either BS1 or PM2_supporting. In summary, this variant is classified as likely benign for X-linked retinoschisis based on the ClinGen X-linked Inherited Retinal Disease Expert Panel Specifications to the ACMG/AMP Variant Interpretation Guidelines for RS1 Version 1.0.0: BP7 and BP4_supporting. (date of approval 01/24/2025).

Blueprint Genetics
Classification: Likely benign. Last evaluated: 2024-07-30. Review status: criteria provided, single submitter. Criteria: ACMG Guidelines, 2015. Collection method: clinical testing. Allele origin: germline. Not counted in ClinVar's aggregate classification.

Labcorp Genetics (formerly Invitae), Labcorp
Classification: Likely benign. Last evaluated: 2024-01-18. Review status: criteria provided, single submitter. Criteria: Invitae Variant Classification Sherloc (09022015). Collection method: clinical testing. Allele origin: germline. Not counted in ClinVar's aggregate classification.

NM_000330.4(RS1):c.69G>A (p.Ser23=)

Gene: RS1 (retinoschisin 1; minus strand). Cytogenetic location: Xp22.13.
Variant type: single nucleotide variant.
Coding change: c.69G>A on transcript NM_000330.4 (MANE Select); coding-DNA position 69, G replaced by A.
Protein change: p.Ser23=; no amino-acid change (serine 23 retained).
Molecular consequence: synonymous variant.
Genome position (GRCh38, 1-based): chrX:18,657,649, C>T on the plus strand (G>A on the coding strand, the complement: RS1 is on the minus strand). VCF-style: chrX-18657649-C-T. GRCh37 (hg19) VCF-style: chrX-18675769-C-T.
Other names: NM_000330.4(RS1):c.69G>A; p.Ser23=.
Identifiers: ClinVar variation 1671968 (VCV001671968.10), dbSNP rs768728087, ClinGen allele CA10360821.